The following is an entry in ClinVar:

ClinVar aggregate classification (germline): Uncertain significance. Review status: criteria provided, single submitter (1 of 4 stars). 2 submissions from 2 submitters: Uncertain significance (1). 1 of the submissions does not count toward it. Last evaluated 2016-06-25.

Conditions:
TTN-related disorder. Also called: TTN-related condition; TTN-related disease; TTN-related disorders.
Dilated cardiomyopathy 1G (CMD1G). Identifiers: Orphanet 154, MedGen C1858763, MONDO:0011400, OMIM 604145.
Autosomal recessive limb-girdle muscular dystrophy type 2J (LGMDR10). Also called: Limb-girdle muscular dystrophy, type 2J; MUSCULAR DYSTROPHY, LIMB-GIRDLE, AUTOSOMAL RECESSIVE 10. Identifiers: Orphanet 140922, MedGen C1837342, MONDO:0012127, OMIM 608807.

gnomAD v4.1: 3 of 1,613,742 alleles (0.00019%); highest among the groups gnomAD compares: Admixed American, 0.005%; no homozygotes.

Submissions (2):

Labcorp Genetics (formerly Invitae), Labcorp
Classification: Uncertain significance for Dilated cardiomyopathy 1G; Autosomal recessive limb-girdle muscular dystrophy type 2J. Last evaluated: 2016-06-25. Review status: criteria provided, single submitter. Criteria: Invitae Variant Classification Sherloc (09022015). Collection method: clinical testing. Allele origin: germline.

PreventionGenetics, part of Exact Sciences
Classification: Uncertain significance for TTN-related condition. Last evaluated: 2024-08-06. Review status: no assertion criteria provided. Collection method: clinical testing. Allele origin: germline. Not counted in ClinVar's aggregate classification.
Comment: The TTN c.88708A>C variant is predicted to result in the amino acid substitution p.Ile29570Leu. To our knowledge, this variant has not been reported in the literature or in a large population database, indicating this variant is rare. At this time, the clinical significance of this variant is uncertain due to the absence of conclusive functional and genetic evidence.

NM_001267550.2(TTN):c.88708A>C (p.Ile29570Leu)

Genes: TTN (titin; minus strand), TTN-AS1 (TTN antisense RNA 1; plus strand). Cytogenetic location: 2q31.2.
Variant type: single nucleotide variant.
Coding change: c.88708A>C on transcript NM_001267550.2 (MANE Select); coding-DNA position 88708, A replaced by C.
Protein change: p.Ile29570Leu; replaces isoleucine 29570 with leucine.
Molecular consequence: missense variant.
Genome position (GRCh38, 1-based): chr2:178,554,639, T>G on the plus strand (A>C on the coding strand, the complement: TTN is on the minus strand). VCF-style: chr2-178554639-T-G. GRCh37 (hg19) VCF-style: chr2-179419366-T-G.
Other names: c.83785A>C, p.Ile27929Leu (NM_001256850.1); c.61513A>C, p.Ile20505Leu (NM_003319.4); c.81004A>C, p.Ile27002Leu (NM_133378.4); c.61888A>C, p.Ile20630Leu (NM_133432.3); c.62089A>C, p.Ile20697Leu (NM_133437.4); short protein forms I29570L, I27929L, I20505L, I27002L, I20697L, I20630L.
Identifiers: ClinVar variation 404683 (VCV000404683.4), dbSNP rs139506970, ClinGen allele CA16610240.